The following is an entry in ClinVar:

NM_025114.4(CEP290):c.4501G>A (p.Val1501Ile)

Gene: CEP290 (centrosomal protein 290; minus strand). Cytogenetic location: 12q21.32.
Variant type: single nucleotide variant.
Coding change: c.4501G>A on transcript NM_025114.4 (MANE Select); coding-DNA position 4501, G replaced by A.
Protein change: p.Val1501Ile; replaces valine 1501 with isoleucine.
Molecular consequence: missense variant.
Genome position (GRCh38, 1-based): chr12:88,084,789, C>T on the plus strand (G>A on the coding strand, the complement: CEP290 is on the minus strand). VCF-style: chr12-88084789-C-T. GRCh37 (hg19) VCF-style: chr12-88478566-C-T.
Other names: short protein forms V1501I.
Identifiers: ClinVar variation 967188 (VCV000967188.8), dbSNP rs769989974, ClinGen allele CA6711923.

ClinVar aggregate classification (germline): Uncertain significance. Review status: criteria provided, multiple submitters, no conflicts (2 of 4 stars). 2 submissions from 2 submitters: Uncertain significance (2). Last evaluated 2025-04-25.

Conditions:
Nephronophthisis. Also called: Juvenile Nephronophthisis. Identifiers: Orphanet 655, MedGen C0687120, MONDO:0019005, HP:0000090.
Meckel-Gruber syndrome. Also called: GRUBER SYNDROME; Dysencephalia splachnocystica; DYSENCEPHALIA SPLANCHNOCYSTICA. Identifiers: Orphanet 564, MedGen C0265215, MONDO:0018921.
Joubert syndrome. Also called: Familial aplasia of the vermis; JOUBERT-BOLTSHAUSER SYNDROME. Identifiers: Orphanet 475, MedGen C5979921, MONDO:0018772.
CEP290-related disorder. Also called: CEP290-related condition; CEP290-related disorders. Identifiers: MedGen CN239314.

Allele frequency attached by ClinVar (database versions not stated): ExAC 0.00001; gnomAD exomes 0.00001; TOPMed 0.00003.
gnomAD v4.1: 3 of 1,612,818 alleles (0.00019%); highest among the groups gnomAD compares: East Asian, 0.0022%; no homozygotes.

Submissions (2):

PreventionGenetics, part of Exact Sciences
Classification: Uncertain significance for CEP290-related condition. Last evaluated: 2025-04-25. Review status: criteria provided, single submitter. Criteria: ACMG Guidelines, 2015. Collection method: clinical testing. Allele origin: germline.
Comment: The CEP290 c.4501G>A variant is predicted to result in the amino acid substitution p.Val1501Ile. To our knowledge, this variant has not been reported in the literature. This variant is reported in 0.0065% of alleles in individuals of African descent in gnomAD. At this time, the clinical significance of this variant is uncertain due to the absence of conclusive functional and genetic evidence.

Labcorp Genetics (formerly Invitae), Labcorp
Classification: Uncertain significance for Joubert syndrome; Meckel-Gruber syndrome; Nephronophthisis. Last evaluated: 2022-01-06. Review status: criteria provided, single submitter. Criteria: Invitae Variant Classification Sherloc (09022015). Collection method: clinical testing. Allele origin: germline.
Comment: This sequence change replaces valine, which is neutral and non-polar, with isoleucine, which is neutral and non-polar, at codon 1501 of the CEP290 protein (p.Val1501Ile). This variant is present in population databases (rs769989974, gnomAD 0.007%). This variant has not been reported in the literature in individuals affected with CEP290-related conditions. ClinVar contains an entry for this variant (Variation ID: 967188). Algorithms developed to predict the effect of missense changes on protein structure and function output the following: SIFT: "Tolerated"; PolyPhen-2: "Possibly Damaging"; Align-GVGD: "Class C0". The isoleucine amino acid residue is found in multiple mammalian species, which suggests that this missense change does not adversely affect protein function. In summary, the available evidence is currently insufficient to determine the role of this variant in disease. Therefore, it has been classified as a Variant of Uncertain Significance.